The following is an entry in ClinVar:

NM_001048174.2(MUTYH):c.634G>C (p.Ala212Pro)

Gene: MUTYH (mutY DNA glycosylase; minus strand). Cytogenetic location: 1p34.1.
Variant type: single nucleotide variant.
Coding change: c.634G>C on transcript NM_001048174.2 (MANE Select); coding-DNA position 634, G replaced by C.
Protein change: p.Ala212Pro; replaces alanine 212 with proline.
Molecular consequence: missense variant. On other transcripts: non-coding transcript variant (2).
Genome position (GRCh38, 1-based): chr1:45,332,461, C>G on the plus strand (G>C on the coding strand, the complement: MUTYH is on the minus strand). VCF-style: chr1-45332461-C-G. GRCh37 (hg19) VCF-style: chr1-45798133-C-G.
Other names: c.634G>C, p.Ala212Pro (NM_001048171.2, NM_001048173.2, NM_001293195.2); c.637G>C, p.Ala213Pro (NM_001048172.2); c.718G>C, p.Ala240Pro (NM_001128425.2); c.679G>C, p.Ala227Pro (NM_001293190.2); c.667G>C, p.Ala223Pro (NM_001293191.2); c.358G>C, p.Ala120Pro (NM_001293192.2, NM_001293196.2); c.289G>C, p.Ala97Pro (NM_001350650.2, NM_001350651.2); c.709G>C, p.Ala237Pro (NM_012222.3); short protein forms A237P, A97P, A227P, A212P, A223P, A240P, A120P, A213P.
Identifiers: ClinVar variation 918410 (VCV000918410.5), dbSNP rs774237159, ClinGen allele CA340134873.

ClinVar aggregate classification (germline): Uncertain significance (1 of 4 stars; one submission).

Conditions:
Hereditary cancer-predisposing syndrome. Also called: Neoplastic Syndromes, Hereditary; Tumor predisposition; Hereditary Cancer Syndrome; Hereditary neoplastic syndrome. Identifiers: Orphanet 140162, MedGen C0027672, MeSH D009386, MONDO:0015356.

Submission:

Color Diagnostics, LLC DBA Color Health
Classification: Uncertain significance for Hereditary cancer-predisposing syndrome. Last evaluated: 2023-12-05. Review status: criteria provided, single submitter. Criteria: ACMG Guidelines, 2015. Collection method: clinical testing. Allele origin: germline.
Comment: This missense variant replaces alanine with proline at codon 240 of the MUTYH protein. Computational prediction tools and conservation analyses are inconclusive regarding the impact of this variant on the protein function. Computational splicing tools suggest that this variant may not impact RNA splicing. To our knowledge, functional assays have not been performed for this variant nor has this variant been reported in individuals affected with hereditary cancer in the literature. This variant has not been identified in the general population by the Genome Aggregation Database (gnomAD). Available evidence is insufficient to determine the role of this variant in disease conclusively. Therefore, this variant is classified as a Variant of Uncertain Significance.